The following is an entry in ClinVar:

ClinVar aggregate classification (germline): Uncertain significance. Review status: criteria provided, multiple submitters, no conflicts (2 of 4 stars). 2 submissions from 2 submitters: Uncertain significance (2). Last evaluated 2025-05-12.

Conditions:
Familial thoracic aortic aneurysm and aortic dissection (TAAD). Also called: Thoracic aortic aneurysms and dissections. Identifiers: Orphanet 91387, MedGen C4707243, MONDO:0019625.
Aortic aneurysm, familial thoracic 4 (AAT4). Also called: AORTIC ANEURYSM/AORTIC DISSECTION AND PATENT DUCTUS ARTERIOSUS. Identifiers: MedGen C1851504, MONDO:0007568, OMIM 132900.

Allele frequency attached by ClinVar (database versions not stated): gnomAD 0.00001; TOPMed 0.00001.
gnomAD v4.1: 1 of 1,614,042 alleles (0.000062%); highest among the groups gnomAD compares: African/African-American, 0.0013%; no homozygotes.

Submissions (2):

Labcorp Genetics (formerly Invitae), Labcorp
Classification: Uncertain significance for Aortic aneurysm, familial thoracic 4. Last evaluated: 2025-05-12. Review status: criteria provided, single submitter. Criteria: Invitae Variant Classification Sherloc (09022015). Collection method: clinical testing. Allele origin: germline.
Comment: This sequence change replaces glutamic acid, which is acidic and polar, with alanine, which is neutral and non-polar, at codon 1364 of the MYH11 protein (p.Glu1364Ala). This variant is not present in population databases (gnomAD no frequency). This variant has not been reported in the literature in individuals affected with MYH11-related conditions. ClinVar contains an entry for this variant (Variation ID: 1737546). Invitae Evidence Modeling of protein sequence and biophysical properties (such as structural, functional, and spatial information, amino acid conservation, physicochemical variation, residue mobility, and thermodynamic stability) indicates that this missense variant is not expected to disrupt MYH11 protein function with a negative predictive value of 95%. In summary, the available evidence is currently insufficient to determine the role of this variant in disease. Therefore, it has been classified as a Variant of Uncertain Significance.

Ambry Genetics
Classification: Uncertain significance for Familial thoracic aortic aneurysm and aortic dissection. Last evaluated: 2024-12-13. Review status: criteria provided, single submitter. Criteria: Ambry Variant Classification Scheme 2023. Collection method: clinical testing. Allele origin: germline.
Comment: The p.E1357A variant (also known as c.4070A>C), located in coding exon 29 of the MYH11 gene, results from an A to C substitution at nucleotide position 4070. The glutamic acid at codon 1357 is replaced by alanine, an amino acid with dissimilar properties. This amino acid position is highly conserved in available vertebrate species. In addition, the in silico prediction for this alteration is inconclusive. Since supporting evidence is limited at this time, the clinical significance of this alteration remains unclear.

NM_002474.3(MYH11):c.4070A>C (p.Glu1357Ala)

Genes: MYH11 (myosin heavy chain 11; minus strand), NDE1 (nudE neurodevelopment protein 1; plus strand). Cytogenetic location: 16p13.11.
Variant type: single nucleotide variant.
Coding change: c.4070A>C on transcript NM_002474.3 (MANE Select); coding-DNA position 4070, A replaced by C.
Protein change: p.Glu1357Ala; replaces glutamic acid 1357 with alanine.
Molecular consequence: missense variant. On other transcripts: 3 prime UTR variant (2).
Genome position (GRCh38, 1-based): chr16:15,724,693, T>G on the plus strand (A>C on the coding strand, the complement: MYH11 is on the minus strand). VCF-style: chr16-15724693-T-G. GRCh37 (hg19) VCF-style: chr16-15818550-T-G.
Other names: c.4091A>C, p.Glu1364Ala (NM_001040113.2, NM_001040114.2); c.4070A>C, p.Glu1357Ala (NM_022844.3); c.*442T>G (NM_001143979.2, NM_017668.3); short protein forms E1357A, E1364A.
Identifiers: ClinVar variation 1737546 (VCV001737546.6), dbSNP rs2040660179, ClinGen allele CA394858121.